The following is an entry in ClinVar:

NM_024809.5(TCTN2):c.305T>C (p.Leu102Pro)

Gene: TCTN2 (tectonic family member 2; plus strand). Cytogenetic location: 12q24.31.
Variant type: single nucleotide variant.
Coding change: c.305T>C on transcript NM_024809.5 (MANE Select); coding-DNA position 305, T replaced by C.
Protein change: p.Leu102Pro; replaces leucine 102 with proline.
Molecular consequence: missense variant.
Genome position (GRCh38, 1-based): chr12:123,673,652, T>C. VCF-style: chr12-123673652-T-C. GRCh37 (hg19) VCF-style: chr12-124158199-T-C.
Other names: c.302T>C, p.Leu101Pro (NM_001143850.3); short protein forms L102P, L101P.
Identifiers: ClinVar variation 1471487 (VCV001471487.3), dbSNP rs779547974, ClinGen allele CA6860862.
Genomic context (GRCh38, chr12:123,673,652, plus strand): 5'-ATACAGCAATGTTTTCCTTTCAGAAGGTGTTGGAAGTGACAGTGAGGTGGAAGAGAGGTC[T>C]GGACTGGTGTTCCTCCAATGAGACAGATTCCTTCTCAGAGTCCCCCTGTATCCTCCAGAC-3'
Protein context (NP_079085.2, residues 92-112): LEVTVRWKRG[Leu102Pro]DWCSSNETDS

ClinVar aggregate classification (germline): Uncertain significance (1 of 4 stars; one submission).

Conditions:
Meckel-Gruber syndrome. Also called: DYSENCEPHALIA SPLANCHNOCYSTICA; GRUBER SYNDROME; Dysencephalia splachnocystica. Identifiers: Orphanet 564, MedGen C0265215, MONDO:0018921.
Joubert syndrome. Also called: CEREBELLOPARENCHYMAL DISORDER IV; JOUBERT-BOLTSHAUSER SYNDROME; Familial aplasia of the vermis. Identifiers: Orphanet 475, MedGen C5979921, MONDO:0018772.

Allele frequency attached by ClinVar (database versions not stated): gnomAD exomes 0.00001 and 0.00002; ExAC 0.00004.
gnomAD v4.1: 4 of 1,614,254 alleles (0.00025%); highest among the groups gnomAD compares: South Asian, 0.0044%; no homozygotes.

Submission:

Labcorp Genetics (formerly Invitae), Labcorp
Classification: Uncertain significance for Joubert syndrome; Meckel-Gruber syndrome. Last evaluated: 2021-08-28. Review status: criteria provided, single submitter. Criteria: Invitae Variant Classification Sherloc (09022015). Collection method: clinical testing. Allele origin: germline.
Comment: This sequence change replaces leucine with proline at codon 102 of the TCTN2 protein (p.Leu102Pro). The leucine residue is moderately conserved and there is a moderate physicochemical difference between leucine and proline. This variant is present in population databases (rs779547974, ExAC 0.02%). This variant has not been reported in the literature in individuals affected with TCTN2-related conditions. Algorithms developed to predict the effect of missense changes on protein structure and function output the following: SIFT: "Tolerated"; PolyPhen-2: "Benign"; Align-GVGD: "Class C0". The proline amino acid residue is found in multiple mammalian species, which suggests that this missense change does not adversely affect protein function. In summary, the available evidence is currently insufficient to determine the role of this variant in disease. Therefore, it has been classified as a Variant of Uncertain Significance.